The following is an entry in ClinVar:

NM_002016.2(FLG):c.2346G>A (p.Arg782=)

Genes: CCDST (cervical cancer associated DHX9 suppressive transcript; plus strand), FLG (filaggrin; minus strand). Cytogenetic location: 1q21.3.
Variant type: single nucleotide variant.
Coding change: c.2346G>A on transcript NM_002016.2 (MANE Select); coding-DNA position 2346, G replaced by A.
Protein change: p.Arg782=; no amino-acid change (arginine 782 retained).
Molecular consequence: synonymous variant.
Genome position (GRCh38, 1-based): chr1:152,312,540, C>T on the plus strand (G>A on the coding strand, the complement: FLG is on the minus strand). VCF-style: chr1-152312540-C-T. GRCh37 (hg19) VCF-style: chr1-152285016-C-T.
Identifiers: ClinVar variation 3046042 (VCV003046042.2), dbSNP rs140303038, ClinGen allele CA1107216.
Genomic context (GRCh38, chr1:152,312,540, plus strand): 5'-CTGTTTATGAGTGCTCACCTGGTAGAGGAAAGACCCTGAACGTCGAGACCTTTCCCCTGA[C>T]CGGTCACGTGCGGACTCTTGGTGGCTCTGCTGATGGTGACCAGCCTGTCCATGGCCTGAC-3'
Protein context (NP_002007.1, residues 772-792): QQSHQESARD[Arg782=]SGERSRRSGS

ClinVar aggregate classification (germline): Likely benign (0 of 4 stars; one submission).

Conditions:
FLG-related disorder. Also called: FLG-related disorders; FLG-related condition.

Allele frequency attached by ClinVar (database versions not stated): gnomAD exomes 0.00009; gnomAD 0.00010; ExAC 0.00011; ESP Exome Variant Server 0.00015; 1000 Genomes Project 30x 0.00016; TOPMed 0.00016; 1000 Genomes Project 0.00020.
gnomAD v4.1: 160 of 1,613,692 alleles (0.0099%); highest among the groups gnomAD compares: Middle Eastern, 0.033%; no homozygotes.

Submission:

PreventionGenetics, part of Exact Sciences
Classification: Likely benign for FLG-related condition. Last evaluated: 2023-01-30. Review status: no assertion criteria provided. Collection method: clinical testing. Allele origin: germline.
Comment: This variant is classified as likely benign based on ACMG/AMP sequence variant interpretation guidelines (Richards et al. 2015 PMID: 25741868, with internal and published modifications).